The following is an entry in ClinVar:

ClinVar aggregate classification (germline): Uncertain significance (1 of 4 stars; one submission).

Submission:

Labcorp Genetics (formerly Invitae), Labcorp
Classification: Uncertain significance. Last evaluated: 2021-08-12. Review status: criteria provided, single submitter. Criteria: Invitae Variant Classification Sherloc (09022015). Collection method: clinical testing. Allele origin: germline.
Comment: A copy number gain of the genomic region encompassing the full coding sequence of the HMOX1 gene has been identified. The boundaries of this event are unknown as they extend beyond the assayed region for this gene and therefore may encompass additional genes. As the precise location of this event is unknown, it may be in tandem or it may be located elsewhere in the genome. This variant has not been reported in the literature in individuals with HMOX1-related conditions. Experimental studies and prediction algorithms are not available or were not evaluated, and the functional significance of this variant is currently unknown. In summary, the available evidence is currently insufficient to determine the role of this variant in disease. Therefore, it has been classified as a Variant of Uncertain Significance.

NC_000022.10:g.(?_35777167)_(35820248_?)dup

Genes: HMOX1 (heme oxygenase 1; plus strand), MCM5 (minichromosome maintenance complex component 5; plus strand). Cytogenetic location: 22q12.3.
Variant type: Duplication.
Identifiers: ClinVar variation 1387442 (VCV001387442.3).